The following is an entry in ClinVar:

NM_002900.3(RBP3):c.288del (p.Glu97fs)

Gene: RBP3 (retinol binding protein 3; plus strand). Cytogenetic location: 10q11.22.
Variant type: Deletion.
Coding change: c.288del on transcript NM_002900.3 (MANE Select); coding-DNA position 288, one base deleted (C; older notation c.288delC).
Protein change: p.Glu97fs; shifts the reading frame from glutamic acid 97.
Molecular consequence: frameshift variant.
Genome position (GRCh38, 1-based): chr10:47,348,772, C deleted; the last of 5 consecutive C bases (chr10:47,348,768-47,348,772); deleting any one gives the same sequence. VCF-style (leftmost placement, unchanged base first): chr10-47348767-AC-A. GRCh37 (hg19) VCF-style: chr10-48390589-CG-C.
Other names: short protein forms E97fs.
Identifiers: ClinVar variation 960676 (VCV000960676.7), dbSNP rs782634926, ClinGen allele CA5487822.
Genomic context (GRCh38, chr10:47,348,767, plus strand): 5'-ACAGCCGGGGTGCAGAGCTCCCTGAACGATCCTCGCCTGGTCATCTCCTATGAGCCCAGC[AC>A]CCCCGAGCCTCCCCCACAAGTCCCAGCACTCACCAGCCTCTCAGAAGAGGAACTGCTTGC-3'

ClinVar aggregate classification (germline): Pathogenic (1 of 4 stars; one submission).

Submission:

Labcorp Genetics (formerly Invitae), Labcorp
Classification: Pathogenic. Last evaluated: 2022-09-06. Review status: criteria provided, single submitter. Criteria: Invitae Variant Classification Sherloc (09022015). Collection method: clinical testing. Allele origin: germline.
Comment: This sequence change creates a premature translational stop signal (p.Glu97Serfs*48) in the RBP3 gene. It is expected to result in an absent or disrupted protein product. Loss-of-function variants in RBP3 are known to be pathogenic (PMID: 9614228, 23105016, 25766589). This variant is present in population databases (rs782634926, gnomAD 0.0009%). This variant has not been reported in the literature in individuals affected with RBP3-related conditions. ClinVar contains an entry for this variant (Variation ID: 960676). For these reasons, this variant has been classified as Pathogenic.

Literature cited by the submitters: PubMed 9614228; PubMed 23105016; PubMed 25766589.